The following is an entry in ClinVar:

NM_004990.4(MARS1):c.626G>A (p.Ser209Asn)

Gene: MARS1 (methionyl-tRNA synthetase 1; plus strand). Cytogenetic location: 12q13.3.
Variant type: single nucleotide variant.
Coding change: c.626G>A on transcript NM_004990.4 (MANE Select); coding-DNA position 626, G replaced by A.
Protein change: p.Ser209Asn; replaces serine 209 with asparagine.
Molecular consequence: missense variant.
Genome position (GRCh38, 1-based): chr12:57,490,342, G>A. VCF-style: chr12-57490342-G-A. GRCh37 (hg19) VCF-style: chr12-57884125-G-A.
Other names: p.Ser209Asn; short protein forms S209N.
Identifiers: ClinVar variation 385033 (VCV000385033.21), dbSNP rs141671963, ClinGen allele CA6650224.

ClinVar aggregate classification (germline): Benign/Likely benign. Review status: criteria provided, multiple submitters, no conflicts (2 of 4 stars). 7 submissions from 7 submitters: Benign (2); Likely benign (4). 1 of the submissions does not count toward it. Last evaluated 2026-05-01.

Conditions:
MARS1-related disorder. Also called: MARS1-related condition.
Charcot-Marie-Tooth disease axonal type 2U. Also called: CHARCOT-MARIE-TOOTH NEUROPATHY, TYPE 2U; CHARCOT-MARIE-TOOTH DISEASE, AXONAL, AUTOSOMAL DOMINANT, TYPE 2U. Identifiers: Orphanet 397735, MedGen C4084821, MONDO:0014566, OMIM 616280.
Severe early-onset pulmonary alveolar proteinosis due to MARS deficiency. Also called: PULMONARY ALVEOLAR PROTEINOSIS, REUNION ISLAND; Interstitial lung and liver disease. Identifiers: Orphanet 440427, MedGen C4225400, MONDO:0014206, OMIM 615486.

Allele frequency attached by ClinVar (database versions not stated): gnomAD exomes 0.00033; 1000 Genomes Project 0.00160; 1000 Genomes Project 30x 0.00187; gnomAD 0.00298 and 0.00327; TOPMed 0.00345; ESP Exome Variant Server 0.00415.
gnomAD v4.1: 974 of 1,612,690 alleles (0.06%); highest among the groups gnomAD compares: African/African-American, 0.98%; 5 homozygotes.

Submissions (7):

CeGaT Center for Human Genetics Tuebingen
Classification: Likely benign. Last evaluated: 2026-05-01. Review status: criteria provided, single submitter. Criteria: CeGaT Center For Human Genetics Tuebingen Variant Classification Criteria Version 2. Collection method: clinical testing. Allele origin: germline. Affected: yes. Observed: 1 variant allele.
Comment: MARS1: BP4, BS2

Labcorp Genetics (formerly Invitae), Labcorp
Classification: Benign for Charcot-Marie-Tooth disease axonal type 2U; Severe early-onset pulmonary alveolar proteinosis due to MARS deficiency. Last evaluated: 2026-02-01. Review status: criteria provided, single submitter. Criteria: Invitae Variant Classification Sherloc (09022015). Collection method: clinical testing. Allele origin: germline.

Mayo Clinic Laboratories, Mayo Clinic
Classification: Benign. Last evaluated: 2025-03-12. Review status: criteria provided, single submitter. Criteria: ACMG Guidelines, 2015. Collection method: clinical testing. Allele origin: germline. Observed: 2 variant alleles.
Comment: BS1, BS2, BP4

Ambry Genetics
Classification: Likely benign. Last evaluated: 2020-03-26. Review status: criteria provided, single submitter. Criteria: Ambry Variant Classification Scheme 2023. Collection method: clinical testing. Allele origin: germline.

GeneDx
Classification: Likely benign. Last evaluated: 2018-02-05. Review status: criteria provided, single submitter. Criteria: GeneDx Variant Classification (06012015). Collection method: clinical testing. Allele origin: germline. Affected: yes.
Comment: This variant is considered likely benign or benign based on one or more of the following criteria: it is a conservative change, it occurs at a poorly conserved position in the protein, it is predicted to be benign by multiple in silico algorithms, and/or has population frequency not consistent with disease.

Breakthrough Genomics
Classification: Likely benign. Review status: criteria provided, single submitter. Criteria: ACMG Guidelines, 2015. Collection method: not provided. Allele origin: germline. Inheritance: Autosomal recessive inheritance. Affected: yes.

PreventionGenetics, part of Exact Sciences
Classification: Benign for MARS1-related condition. Last evaluated: 2019-04-05. Review status: no assertion criteria provided. Collection method: clinical testing. Allele origin: germline. Not counted in ClinVar's aggregate classification.
Comment: This variant is classified as benign based on ACMG/AMP sequence variant interpretation guidelines (Richards et al. 2015 PMID: 25741868, with internal and published modifications).